The following is an entry in ClinVar:

NM_002577.4(PAK2):c.88C>A (p.Pro30Thr)

Gene: PAK2 (p21 (RAC1) activated kinase 2; plus strand). Cytogenetic location: 3q29.
Variant type: single nucleotide variant.
Coding change: c.88C>A on transcript NM_002577.4 (MANE Select); coding-DNA position 88, C replaced by A.
Protein change: p.Pro30Thr; replaces proline 30 with threonine.
Molecular consequence: missense variant.
Genome position (GRCh38, 1-based): chr3:196,782,734, C>A. VCF-style: chr3-196782734-C-A. GRCh37 (hg19) VCF-style: chr3-196509605-C-A.
Other names: short protein forms P30T.
Identifiers: ClinVar variation 5020140 (VCV005020140.1).

ClinVar aggregate classification (germline): Uncertain significance (1 of 4 stars; one submission).

Submission:

Dasa
Classification: Uncertain significance. Last evaluated: 2026-07-24. Review status: criteria provided, single submitter. Criteria: DASA Assertion Criteria. Collection method: clinical testing. Allele origin: germline.
Comment: NM_002577.4(PAK2):c.88C>A (p.Pro30Thr) is a missense variant that results in the substitution of proline with threonine. This variant is rare in population databases. Computational prediction algorithms are consistent with a benign effect. The currently available literature and clinical evidence are not sufficient to establish a definitive association between this variant and the reported condition. Therefore, this variant is classified as a variant of uncertain significance.